The following is an entry in ClinVar:

ClinVar aggregate classification (germline): Uncertain significance (1 of 4 stars; one submission).

Submission:

Labcorp Genetics (formerly Invitae), Labcorp
Classification: Uncertain significance. Last evaluated: 2022-03-15. Review status: criteria provided, single submitter. Criteria: Invitae Variant Classification Sherloc (09022015). Collection method: clinical testing. Allele origin: germline.
Comment: Algorithms developed to predict the effect of missense changes on protein structure and function (SIFT, PolyPhen-2, Align-GVGD) all suggest that this variant is likely to be tolerated. In summary, the available evidence is currently insufficient to determine the role of this variant in disease. Therefore, it has been classified as a Variant of Uncertain Significance. This variant has not been reported in the literature in individuals affected with C3-related conditions. This variant is not present in population databases (gnomAD no frequency). This sequence change replaces aspartic acid, which is acidic and polar, with asparagine, which is neutral and polar, at codon 726 of the C3 protein (p.Asp726Asn).

NM_000064.4(C3):c.2176G>A (p.Asp726Asn)

Gene: C3 (complement C3; minus strand). Cytogenetic location: 19p13.3.
Variant type: single nucleotide variant.
Coding change: c.2176G>A on transcript NM_000064.4 (MANE Select); coding-DNA position 2176, G replaced by A.
Protein change: p.Asp726Asn; replaces aspartic acid 726 with asparagine.
Molecular consequence: missense variant.
Genome position (GRCh38, 1-based): chr19:6,707,145, C>T on the plus strand (G>A on the coding strand, the complement: C3 is on the minus strand). VCF-style: chr19-6707145-C-T. GRCh37 (hg19) VCF-style: chr19-6707156-C-T.
Other names: short protein forms D726N.
Identifiers: ClinVar variation 2112823 (VCV002112823.4), dbSNP rs2512257978, ClinGen allele CA403637022.